The following is an entry in ClinVar:

NM_006922.4(SCN3A):c.4751A>T (p.Tyr1584Phe)

Gene: SCN3A (sodium voltage-gated channel alpha subunit 3; minus strand). Cytogenetic location: 2q24.3.
Variant type: single nucleotide variant.
Coding change: c.4751A>T on transcript NM_006922.4 (MANE Select); coding-DNA position 4751, A replaced by T.
Protein change: p.Tyr1584Phe; replaces tyrosine 1584 with phenylalanine.
Molecular consequence: missense variant.
Genome position (GRCh38, 1-based): chr2:165,092,310, T>A on the plus strand (A>T on the coding strand, the complement: SCN3A is on the minus strand). VCF-style: chr2-165092310-T-A. GRCh37 (hg19) VCF-style: chr2-165948820-T-A.
Other names: c.4604A>T, p.Tyr1535Phe (NM_001081676.2, NM_001081677.2); c.4751A>T (NM_006922.3); short protein forms Y1535F, Y1584F.
Identifiers: ClinVar variation 1480705 (VCV001480705.8), dbSNP rs779879796, ClinGen allele CA1938513.
Genomic context (GRCh38, chr2:165,092,310, plus strand): 5'-TTACCTACAATGGAGAGAATCACCACCACAAAGTCAAAGATGTTCCAGCCTATAGTGAAG[T>A]AGTAGTGTCTGAGGGAGACGAGCTTCAGCACAAATTCTCCAGTGAACAGAACAATGAACA-3'
Protein context (NP_008853.3, residues 1574-1594): VLKLVSLRHY[Tyr1584Phe]FTIGWNIFDF

ClinVar aggregate classification (germline): Uncertain significance. Review status: criteria provided, multiple submitters, no conflicts (2 of 4 stars). 2 submissions from 2 submitters: Uncertain significance (2). Last evaluated 2024-10-24.

Allele frequency attached by ClinVar (database versions not stated): gnomAD exomes below 0.00001; ExAC 0.00001.
gnomAD v4.1: 1 of 1,613,904 alleles (0.000062%); highest among the groups gnomAD compares: Admixed American, 0.0017%; no homozygotes.

Submissions (2):

Labcorp Genetics (formerly Invitae), Labcorp
Classification: Uncertain significance. Last evaluated: 2024-10-24. Review status: criteria provided, single submitter. Criteria: Invitae Variant Classification Sherloc (09022015). Collection method: clinical testing. Allele origin: germline.
Comment: This sequence change replaces tyrosine, which is neutral and polar, with phenylalanine, which is neutral and non-polar, at codon 1584 of the SCN3A protein (p.Tyr1584Phe). This variant is present in population databases (rs779879796, gnomAD 0.003%). This variant has not been reported in the literature in individuals affected with SCN3A-related conditions. ClinVar contains an entry for this variant (Variation ID: 1480705). Invitae Evidence Modeling of protein sequence and biophysical properties (such as structural, functional, and spatial information, amino acid conservation, physicochemical variation, residue mobility, and thermodynamic stability) indicates that this missense variant is not expected to disrupt SCN3A protein function with a negative predictive value of 95%. In summary, the available evidence is currently insufficient to determine the role of this variant in disease. Therefore, it has been classified as a Variant of Uncertain Significance.

GeneDx
Classification: Uncertain significance. Last evaluated: 2024-09-20. Review status: criteria provided, single submitter. Criteria: GeneDx Variant Classification Process June 2021. Collection method: clinical testing. Allele origin: germline. Affected: yes.
Comment: Not observed at significant frequency in large population cohorts (gnomAD); In silico analysis supports that this missense variant has a deleterious effect on protein structure/function; Has not been previously published as pathogenic or benign to our knowledge